The following is an entry in ClinVar:

NM_001110556.2(FLNA):c.6769+4G>A

Gene: FLNA (filamin A; minus strand). Cytogenetic location: Xq28.
Variant type: single nucleotide variant.
Coding change: c.6769+4G>A on transcript NM_001110556.2 (MANE Select); 4 bases into the intron after coding-DNA position 6769, G replaced by A.
Molecular consequence: intron variant.
Genome position (GRCh38, 1-based): chrX:154,352,177, C>T on the plus strand (G>A on the coding strand, the complement: FLNA is on the minus strand). VCF-style: chrX-154352177-C-T. GRCh37 (hg19) VCF-style: chrX-153580545-C-T.
Other names: c.6745+4G>A (NM_001456.4).
Identifiers: ClinVar variation 1690589 (VCV001690589.5), dbSNP rs2148103785, ClinGen allele CA2573159417.

ClinVar aggregate classification (germline): Uncertain significance. Review status: criteria provided, multiple submitters, no conflicts (2 of 4 stars). 2 submissions from 2 submitters: Uncertain significance (2). Last evaluated 2025-02-17.

Conditions:
Heterotopia, periventricular, X-linked dominant (PVNH1). Also called: PERIVENTRICULAR NODULAR HETEROTOPIA 1; X-linked periventricular heterotopia; PERIVENTRICULAR NODULAR HETEROTOPIA 4; HETEROTOPIA, PERIVENTRICULAR, 1. Identifiers: Orphanet 2149, Orphanet 82004, MedGen C1848213, MONDO:0010233, OMIM 300049.
Oto-palato-digital syndrome, type II (OPD2). Also called: FACIOPALATOOSSEOUS SYNDROME; OPD II SYNDROME; Otopalatodigital Syndrome Type 2 (FLNA-OPD2); Otopalatodigital Syndrome, Type II. Identifiers: Orphanet 669, Orphanet 90652, MedGen C1844696, MONDO:0010571, OMIM 304120.
Frontometaphyseal dysplasia (FMD1). Identifiers: Orphanet 1826, MedGen C0265293, MONDO:0015942.
Melnick-Needles syndrome (MNS). Also called: MELNICK-NEEDLES OSTEODYSPLASTY; OSTEODYSPLASTY OF MELNICK AND NEEDLES; Melnick-Needles Syndrome (FLNA-MNS). Identifiers: Orphanet 2484, MedGen C0025237, MONDO:0010650, OMIM 309350.

Submissions (2):

Labcorp Genetics (formerly Invitae), Labcorp
Classification: Uncertain significance for Oto-palato-digital syndrome, type II; Heterotopia, periventricular, X-linked dominant; Frontometaphyseal dysplasia; Melnick-Needles syndrome. Last evaluated: 2025-02-17. Review status: criteria provided, single submitter. Criteria: Invitae Variant Classification Sherloc (09022015). Collection method: clinical testing. Allele origin: germline.
Comment: This sequence change falls in intron 40 of the FLNA gene. It does not directly change the encoded amino acid sequence of the FLNA protein. It affects a nucleotide within the consensus splice site. This variant is not present in population databases (gnomAD no frequency). This variant has not been reported in the literature in individuals affected with FLNA-related conditions. ClinVar contains an entry for this variant (Variation ID: 1690589). Variants that disrupt the consensus splice site are a relatively common cause of aberrant splicing (PMID: 17576681, 9536098). Algorithms developed to predict the effect of sequence changes on RNA splicing suggest that this variant is not likely to affect RNA splicing. In summary, the available evidence is currently insufficient to determine the role of this variant in disease. Therefore, it has been classified as a Variant of Uncertain Significance.

Laboratorio de Genetica e Diagnostico Molecular, Hospital Israelita Albert Einstein
Classification: Uncertain significance. Last evaluated: 2022-03-28. Review status: criteria provided, single submitter. Criteria: ACMG Guidelines, 2015. Collection method: clinical testing. Allele origin: germline. Affected: yes.
Comment: ACMG classification criteria: PM2

Literature cited by the submitters: PubMed 17576681 (cited by Labcorp Genetics (formerly Invitae), Labcorp); PubMed 9536098 (cited by Labcorp Genetics (formerly Invitae), Labcorp).